The following is an entry in ClinVar:

ClinVar aggregate classification (germline): Conflicting classifications of pathogenicity. Review status: criteria provided, conflicting classifications (1 of 4 stars). 4 submissions from 4 submitters: Uncertain significance (2); Likely benign (1). 1 of the submissions does not count toward it. Last evaluated 2024-05-06.

Conditions:
PHOX2B-related disorder. Also called: PHOX2B-related condition.
Haddad syndrome (OHD). Also called: Ondine-Hirschsprung disease. Identifiers: Orphanet 99803, MedGen C1859049, MONDO:0020493.
Hereditary cancer-predisposing syndrome. Also called: Hereditary neoplastic syndrome; Neoplastic Syndromes, Hereditary; Tumor predisposition; Hereditary Cancer Syndrome. Identifiers: Orphanet 140162, MedGen C0027672, MeSH D009386, MONDO:0015356.
Neuroblastoma, susceptibility to, 2. Identifiers: Orphanet 635, MedGen C2751682, MONDO:0700041, OMIM 613013.

Allele frequency attached by ClinVar (database versions not stated): gnomAD exomes 0.00001; ExAC 0.00002; gnomAD 0.00002 and 0.00003; TOPMed 0.00002; 1000 Genomes Project 30x 0.00016.

Submissions (4):

Labcorp Genetics (formerly Invitae), Labcorp
Classification: Uncertain significance for Haddad syndrome. Last evaluated: 2024-05-06. Review status: criteria provided, single submitter. Criteria: Invitae Variant Classification Sherloc (09022015). Collection method: clinical testing. Allele origin: germline.
Comment: This sequence change replaces glycine, which is neutral and non-polar, with arginine, which is basic and polar, at codon 217 of the PHOX2B protein (p.Gly217Arg). This variant is present in population databases (rs759792321, gnomAD 0.02%). This variant has not been reported in the literature in individuals affected with PHOX2B-related conditions. ClinVar contains an entry for this variant (Variation ID: 948497). Advanced modeling of protein sequence and biophysical properties (such as structural, functional, and spatial information, amino acid conservation, physicochemical variation, residue mobility, and thermodynamic stability) performed at Invitae indicates that this missense variant is not expected to disrupt PHOX2B protein function with a negative predictive value of 80%. In summary, the available evidence is currently insufficient to determine the role of this variant in disease. Therefore, it has been classified as a Variant of Uncertain Significance.

Baylor Genetics
Classification: Uncertain significance for Neuroblastoma, susceptibility to, 2. Last evaluated: 2023-12-05. Review status: criteria provided, single submitter. Criteria: ACMG Guidelines, 2015. Collection method: clinical testing. Allele origin: unknown.

Ambry Genetics
Classification: Likely benign for Hereditary cancer-predisposing syndrome. Last evaluated: 2023-06-29. Review status: criteria provided, single submitter. Criteria: Ambry Variant Classification Scheme 2023. Collection method: clinical testing. Allele origin: germline.

PreventionGenetics, part of Exact Sciences
Classification: Uncertain significance for PHOX2B-related condition. Last evaluated: 2024-08-21. Review status: no assertion criteria provided. Collection method: clinical testing. Allele origin: germline. Not counted in ClinVar's aggregate classification.
Comment: The PHOX2B c.649G>A variant is predicted to result in the amino acid substitution p.Gly217Arg. To our knowledge, this variant has not been reported in the literature. This variant is reported in 0.018% of alleles in individuals of African descent in gnomAD. At this time, the clinical significance of this variant is uncertain due to the absence of conclusive functional and genetic evidence.

NM_003924.4(PHOX2B):c.649G>A (p.Gly217Arg)

Gene: PHOX2B (paired like homeobox 2B; minus strand). Cytogenetic location: 4p13.
Variant type: single nucleotide variant.
Coding change: c.649G>A on transcript NM_003924.4 (MANE Select); coding-DNA position 649, G replaced by A.
Protein change: p.Gly217Arg; replaces glycine 217 with arginine.
Molecular consequence: missense variant.
Genome position (GRCh38, 1-based): chr4:41,746,103, C>T on the plus strand (G>A on the coding strand, the complement: PHOX2B is on the minus strand). VCF-style: chr4-41746103-C-T. GRCh37 (hg19) VCF-style: chr4-41748120-C-T.
Other names: short protein forms G217R.
Identifiers: ClinVar variation 948497 (VCV000948497.14), dbSNP rs759792321, ClinGen allele CA2901465.